The following is an entry in ClinVar:

NM_024753.5(TTC21B):c.2263G>T (p.Asp755Tyr)

Gene: TTC21B (tetratricopeptide repeat domain 21B; minus strand). Cytogenetic location: 2q24.3.
Variant type: single nucleotide variant.
Coding change: c.2263G>T on transcript NM_024753.5 (MANE Select); coding-DNA position 2263, G replaced by T.
Protein change: p.Asp755Tyr; replaces aspartic acid 755 with tyrosine.
Molecular consequence: missense variant.
Genome position (GRCh38, 1-based): chr2:165,912,573, C>A on the plus strand (G>T on the coding strand, the complement: TTC21B is on the minus strand). VCF-style: chr2-165912573-C-A. GRCh37 (hg19) VCF-style: chr2-166769083-C-A.
Other names: short protein forms D755Y.
Identifiers: ClinVar variation 2203167 (VCV002203167.4), dbSNP rs1685993173, ClinGen allele CA349057800.

ClinVar aggregate classification (germline): Uncertain significance (1 of 4 stars; one submission).

Conditions:
Jeune thoracic dystrophy. Also called: Jeune syndrome; Infantile thoracic dystrophy; Thoracic pelvic phalangeal dystrophy; Jeune's syndrome; Chondroectodermal dysplasia-like syndrome; Short-rib thoracic dysplasia. Identifiers: Orphanet 474, MedGen C0265275, MONDO:0018770.
Nephronophthisis. Also called: Juvenile Nephronophthisis. Identifiers: Orphanet 655, MedGen C0687120, MONDO:0019005, HP:0000090.

Allele frequency attached by ClinVar (database versions not stated): gnomAD exomes below 0.00001; gnomAD 0.00001.
gnomAD v4.1: 3 of 1,613,966 alleles (0.00019%); highest among the groups gnomAD compares: South Asian, 0.0033%; no homozygotes.

Submission:

Labcorp Genetics (formerly Invitae), Labcorp
Classification: Uncertain significance for Jeune thoracic dystrophy; Nephronophthisis. Last evaluated: 2022-11-10. Review status: criteria provided, single submitter. Criteria: Invitae Variant Classification Sherloc (09022015). Collection method: clinical testing. Allele origin: germline.
Comment: This sequence change replaces aspartic acid, which is acidic and polar, with tyrosine, which is neutral and polar, at codon 755 of the TTC21B protein (p.Asp755Tyr). This variant is not present in population databases (gnomAD no frequency). This missense change has been observed in individual(s) with asphyxiating thoracic dystrophy (PMID: 21258341). Advanced modeling of protein sequence and biophysical properties (such as structural, functional, and spatial information, amino acid conservation, physicochemical variation, residue mobility, and thermodynamic stability) has been performed at Invitae for this missense variant, however the output from this modeling did not meet the statistical confidence thresholds required to predict the impact of this variant on TTC21B protein function. Experimental studies have shown that this missense change affects TTC21B function (PMID: 21258341). In summary, the available evidence is currently insufficient to determine the role of this variant in disease. Therefore, it has been classified as a Variant of Uncertain Significance.

Literature cited by the submitters: PubMed 21258341.